The following is an entry in ClinVar:

ClinVar aggregate classification (germline): Likely benign (1 of 4 stars; one submission).

gnomAD v4.1: 1 of 1,613,882 alleles (0.000062%); highest among the groups gnomAD compares: Non-Finnish European, 0.000085%; no homozygotes.

Submission:

CeGaT Center for Human Genetics Tuebingen
Classification: Likely benign. Last evaluated: 2024-10-01. Review status: criteria provided, single submitter. Criteria: CeGaT Center For Human Genetics Tuebingen Variant Classification Criteria Version 2. Collection method: clinical testing. Allele origin: germline. Affected: yes. Observed: 1 variant allele.
Comment: FANCM: BP4, BP7

NM_020937.4(FANCM):c.3279T>C (p.Asn1093=)

Gene: FANCM (FA complementation group M; plus strand). Cytogenetic location: 14q21.2.
Variant type: single nucleotide variant.
Coding change: c.3279T>C on transcript NM_020937.4 (MANE Select); coding-DNA position 3279, T replaced by C.
Protein change: p.Asn1093=; no amino-acid change (asparagine 1093 retained).
Molecular consequence: synonymous variant.
Genome position (GRCh38, 1-based): chr14:45,176,033, T>C. VCF-style: chr14-45176033-T-C. GRCh37 (hg19) VCF-style: chr14-45645236-T-C.
Other names: c.3201T>C, p.Asn1067= (NM_001308133.2).
Identifiers: ClinVar variation 3389977 (VCV003389977.14).